The following is an entry in ClinVar:

NM_001846.4(COL4A2):c.4929G>A (p.Pro1643=)

Gene: COL4A2 (collagen type IV alpha 2 chain; plus strand). Cytogenetic location: 13q34.
Variant type: single nucleotide variant.
Coding change: c.4929G>A on transcript NM_001846.4 (MANE Select); coding-DNA position 4929, G replaced by A.
Protein change: p.Pro1643=; no amino-acid change (proline 1643 retained).
Molecular consequence: synonymous variant.
Genome position (GRCh38, 1-based): chr13:110,511,981, G>A. VCF-style: chr13-110511981-G-A. GRCh37 (hg19) VCF-style: chr13-111164328-G-A.
Identifiers: ClinVar variation 311192 (VCV000311192.40), dbSNP rs7320105, ClinGen allele CA7050712.
Genomic context (GRCh38, chr13:110,511,981, plus strand): 5'-CCTCTCTGTGCAGCACACGGCGGCGGGAGACGAAGGCGGTGGCCAATCACTGGTGTCACC[G>A]GGCAGCTGTCTAGAGGACTTCCGCGCCACACCATTCATCGAATGCAATGGAGGCCGCGGC-3'
Protein context (NP_001837.2, residues 1633-1653): DEGGGQSLVS[Pro1643=]GSCLEDFRAT

ClinVar aggregate classification (germline): Benign/Likely benign. Review status: criteria provided, multiple submitters, no conflicts (2 of 4 stars). 5 submissions from 5 submitters: Benign (1); Likely benign (3). 1 of the submissions does not count toward it. Last evaluated 2026-01-22.

Conditions:
COL4A2-related disorder. Also called: COL4A2-related disorders; COL4A2-related condition.
Brain small vessel disease 2A, autosomal dominant. Also called: Porencephaly 2. Identifiers: Orphanet 2940, Orphanet 99810, MedGen C3280970, MONDO:0013773, OMIM 614483.

Allele frequency attached by ClinVar (database versions not stated): 1000 Genomes Project 0.00220; ExAC 0.00222; 1000 Genomes Project 30x 0.00234; gnomAD 0.00285 and 0.00302; TOPMed 0.00290; ESP Exome Variant Server 0.00356.
gnomAD v4.1: 3,013 of 1,613,530 alleles (0.19%); highest among the groups gnomAD compares: African/African-American, 0.48%; no homozygotes.

Submissions (5):

Labcorp Genetics (formerly Invitae), Labcorp
Classification: Benign. Last evaluated: 2026-01-22. Review status: criteria provided, single submitter. Criteria: Invitae Variant Classification Sherloc (09022015). Collection method: clinical testing. Allele origin: germline.

CeGaT Center for Human Genetics Tuebingen
Classification: Likely benign. Last evaluated: 2025-09-01. Review status: criteria provided, single submitter. Criteria: CeGaT Center For Human Genetics Tuebingen Variant Classification Criteria Version 2. Collection method: clinical testing. Allele origin: germline. Affected: yes. Observed: 9 variant alleles.
Comment: COL4A2: BP4, BP7

Blueprint Genetics
Classification: Likely benign. Last evaluated: 2024-08-26. Review status: criteria provided, single submitter. Criteria: ACMG Guidelines, 2015. Collection method: clinical testing. Allele origin: germline.

Illumina Laboratory Services, Illumina
Classification: Likely benign for Brain small vessel disease 2A, autosomal dominant. Last evaluated: 2017-04-27. Review status: criteria provided, single submitter. Criteria: ICSL Variant Classification Criteria 13 December 2019. Collection method: clinical testing. Allele origin: germline.
Comment: This variant was observed as part of a predisposition screen in an ostensibly healthy population. A literature search was performed for the gene, cDNA change, and amino acid change (where applicable). Publications were found based on this search. The evidence from the literature, in combination with allele frequency data from public databases where available, was sufficient to determine this variant is unlikely to cause disease. Therefore, this variant is classified as likely benign.

PreventionGenetics, part of Exact Sciences
Classification: Likely benign for COL4A2-related condition. Last evaluated: 2019-09-17. Review status: no assertion criteria provided. Collection method: clinical testing. Allele origin: germline. Not counted in ClinVar's aggregate classification.
Comment: This variant is classified as likely benign based on ACMG/AMP sequence variant interpretation guidelines (Richards et al. 2015 PMID: 25741868, with internal and published modifications).

Literature cited by the submitters: PubMed 22209247 (cited by Illumina Laboratory Services, Illumina).